The following is an entry in ClinVar:

ClinVar aggregate classification (germline): Uncertain significance (1 of 4 stars; one submission).

Conditions:
Deficiency of 2-methylbutyryl-CoA dehydrogenase (ACADSB). Also called: 2-methylbutyryl-CoA dehydrogenase deficiency; SBCAD deficiency; 2-methylbutyric aciduria; Short branched-chain acyl-CoA dehydrogenase deficiency; 2-methylbutyrylglycinuria. Identifiers: Orphanet 79157, MedGen C1864912, MONDO:0012392, OMIM 610006, HP:0020147.

Allele frequency attached by ClinVar (database versions not stated): gnomAD 0.00001; TOPMed 0.00001; ExAC 0.00002.

Submission:

Labcorp Genetics (formerly Invitae), Labcorp
Classification: Uncertain significance for Deficiency of 2-methylbutyryl-CoA dehydrogenase. Last evaluated: 2021-08-26. Review status: criteria provided, single submitter. Criteria: Invitae Variant Classification Sherloc (09022015). Collection method: clinical testing. Allele origin: germline.
Comment: This sequence change replaces alanine with threonine at codon 354 of the ACADSB protein (p.Ala354Thr). The alanine residue is moderately conserved and there is a small physicochemical difference between alanine and threonine. This variant is present in population databases (rs200548567, ExAC 0.003%). This variant has not been reported in the literature in individuals affected with ACADSB-related conditions. Algorithms developed to predict the effect of missense changes on protein structure and function are either unavailable or do not agree on the potential impact of this missense change (SIFT: "Deleterious"; PolyPhen-2: "Probably Damaging"; Align-GVGD: "Class C0"). In summary, the available evidence is currently insufficient to determine the role of this variant in disease. Therefore, it has been classified as a Variant of Uncertain Significance.

NM_001609.4(ACADSB):c.1060G>A (p.Ala354Thr)

Gene: ACADSB (acyl-CoA dehydrogenase short/branched chain; plus strand). Cytogenetic location: 10q26.13.
Variant type: single nucleotide variant.
Coding change: c.1060G>A on transcript NM_001609.4 (MANE Select); coding-DNA position 1060, G replaced by A.
Protein change: p.Ala354Thr; replaces alanine 354 with threonine.
Molecular consequence: missense variant.
Genome position (GRCh38, 1-based): chr10:123,051,118, G>A. VCF-style: chr10-123051118-G-A. GRCh37 (hg19) VCF-style: chr10-124810634-G-A.
Other names: c.754G>A, p.Ala252Thr (NM_001330174.3); short protein forms A252T, A354T.
Identifiers: ClinVar variation 847747 (VCV000847747.7), dbSNP rs200548567, ClinGen allele CA5730903.